The following is an entry in ClinVar:

ClinVar aggregate classification (germline): Uncertain significance. Review status: criteria provided, multiple submitters, no conflicts (2 of 4 stars). 2 submissions from 2 submitters: Uncertain significance (2). Last evaluated 2025-01-11.

Conditions:
Ehlers-Danlos syndrome, classic type, 1 (EDSCL1). Also called: Ehlers-Danlos Syndrome, Classic Type, COL5A1-Related; EHLERS-DANLOS SYNDROME, GRAVIS TYPE; EHLERS-DANLOS SYNDROME, SEVERE CLASSIC TYPE; Ehlers-Danlos syndrome, type 1; EDS I. Identifiers: MedGen C0268335, MONDO:0019567, OMIM 130000.

Allele frequency attached by ClinVar (database versions not stated): gnomAD 0.00001; gnomAD exomes 0.00001; TOPMed 0.00002.
gnomAD v4.1: 13 of 1,614,042 alleles (0.00081%); highest among the groups gnomAD compares: East Asian, 0.0089%; no homozygotes.

Submissions (2):

Labcorp Genetics (formerly Invitae), Labcorp
Classification: Uncertain significance for Ehlers-Danlos syndrome, classic type, 1. Last evaluated: 2025-01-11. Review status: criteria provided, single submitter. Criteria: Invitae Variant Classification Sherloc (09022015). Collection method: clinical testing. Allele origin: germline.
Comment: This sequence change replaces aspartic acid, which is acidic and polar, with asparagine, which is neutral and polar, at codon 1588 of the COL5A1 protein (p.Asp1588Asn). This variant is present in population databases (no rsID available, gnomAD 0.004%). This variant has not been reported in the literature in individuals affected with COL5A1-related conditions. ClinVar contains an entry for this variant (Variation ID: 213056). Invitae Evidence Modeling of protein sequence and biophysical properties (such as structural, functional, and spatial information, amino acid conservation, physicochemical variation, residue mobility, and thermodynamic stability) indicates that this missense variant is not expected to disrupt COL5A1 protein function with a negative predictive value of 80%. In summary, the available evidence is currently insufficient to determine the role of this variant in disease. Therefore, it has been classified as a Variant of Uncertain Significance.

GeneDx
Classification: Uncertain significance. Last evaluated: 2014-12-30. Review status: criteria provided, single submitter. Criteria: GeneDx Variant Classification (06012015). Collection method: clinical testing. Allele origin: germline. Affected: yes.
Comment: p.Asp1588Asn (GAC>AAC): c.4762 G>A in exon 62 of the COL5A1 gene (NM_000093.3) The D1588N variant has not been published as a mutation, nor has it been reported as a benign polymorphism to our knowledge. The D1588N variant was not observed in approximately 6,500 individuals of European and African American ancestry in the NHLBI Exome Sequencing Project, indicating it is not a common benign variant in these populations. The D1588N variant is a semi-conservative amino acid substitution, which may impact secondary protein structure as these residues differ in some properties. This substitution occurs at a position that is conserved across species. In silico analysis predicts this variant is probably damaging to the protein structure/function. Nevertheless, no missense mutations in nearby residues have been reported in association with Ehlers-Danlos syndrome, indicating that this region of the protein may be tolerant of change. Therefore, based on the currently available information, it is unclear whether this variant is a pathogenic mutation or a rare benign variant.This variant was found in TAADV2-1

NM_000093.5(COL5A1):c.4762G>A (p.Asp1588Asn)

Genes: COL5A1 (collagen type V alpha 1 chain; plus strand), LOC101448202 (uncharacterized LOC101448202; minus strand). Cytogenetic location: 9q34.3.
Variant type: single nucleotide variant.
Coding change: c.4762G>A on transcript NM_000093.5 (MANE Select); coding-DNA position 4762, G replaced by A.
Protein change: p.Asp1588Asn; replaces aspartic acid 1588 with asparagine.
Molecular consequence: missense variant.
Genome position (GRCh38, 1-based): chr9:134,824,663, G>A. VCF-style: chr9-134824663-G-A. GRCh37 (hg19) VCF-style: chr9-137716509-G-A.
Other names: p.D1588N:GAC>AAC; c.4762G>A, p.Asp1588Asn (NM_001278074.1); short protein forms D1588N.
Identifiers: ClinVar variation 213056 (VCV000213056.12), dbSNP rs863223480, ClinGen allele CA324449.